The following is an entry in ClinVar:

NM_020937.4(FANCM):c.2000A>G (p.Asp667Gly)

Gene: FANCM (FA complementation group M; plus strand). Cytogenetic location: 14q21.2.
Variant type: single nucleotide variant.
Coding change: c.2000A>G on transcript NM_020937.4 (MANE Select); coding-DNA position 2000, A replaced by G.
Protein change: p.Asp667Gly; replaces aspartic acid 667 with glycine.
Molecular consequence: missense variant.
Genome position (GRCh38, 1-based): chr14:45,167,161, A>G. VCF-style: chr14-45167161-A-G. GRCh37 (hg19) VCF-style: chr14-45636364-A-G.
Other names: c.1922A>G, p.Asp641Gly (NM_001308133.2); c.2000A>G, p.Asp667Gly (NM_001308134.2); short protein forms D641G, D667G.
Identifiers: ClinVar variation 4871153 (VCV004871153.1).

ClinVar aggregate classification (germline): Uncertain significance (1 of 4 stars; one submission).

Conditions:
Inborn genetic diseases. Identifiers: MedGen C0950123, MeSH D030342.

Submission:

Ambry Genetics
Classification: Uncertain significance for Inborn genetic diseases. Last evaluated: 2026-05-20. Review status: criteria provided, single submitter. Criteria: Ambry Variant Classification Scheme 2023. Collection method: clinical testing. Allele origin: germline.
Comment: The p.D667G variant (also known as c.2000A>G), located in coding exon 11 of the FANCM gene, results from an A to G substitution at nucleotide position 2000. The aspartic acid at codon 667 is replaced by glycine, an amino acid with similar properties. This amino acid position is conserved. In addition, this alteration is predicted to be tolerated by in silico analysis. Based on the available evidence, the clinical significance of this variant remains unclear.